The following is an entry in ClinVar:

ClinVar aggregate classification (germline): Uncertain significance (1 of 4 stars; one submission).

Submission:

GeneDx
Classification: Uncertain significance. Last evaluated: 2024-02-08. Review status: criteria provided, single submitter. Criteria: GeneDx Variant Classification Process June 2021. Collection method: clinical testing. Allele origin: germline. Affected: yes.
Comment: Not observed at significant frequency in large population cohorts (gnomAD); In silico analysis supports that this missense variant has a deleterious effect on protein structure/function; Has not been previously published as pathogenic or benign to our knowledge

NM_001371928.1(AHDC1):c.1744C>G (p.Pro582Ala)

Gene: AHDC1 (AT-hook DNA binding motif containing 1; minus strand). Cytogenetic location: 1p36.11.
Variant type: single nucleotide variant.
Coding change: c.1744C>G on transcript NM_001371928.1 (MANE Select); coding-DNA position 1744, C replaced by G.
Protein change: p.Pro582Ala; replaces proline 582 with alanine.
Molecular consequence: missense variant.
Genome position (GRCh38, 1-based): chr1:27,550,372, G>C on the plus strand (C>G on the coding strand, the complement: AHDC1 is on the minus strand). VCF-style: chr1-27550372-G-C. GRCh37 (hg19) VCF-style: chr1-27876883-G-C.
Other names: c.1744C>G, p.Pro582Ala (NM_001029882.3); short protein forms P582A.
Identifiers: ClinVar variation 3369080 (VCV003369080.1).